The following is an entry in ClinVar:

ClinVar aggregate classification (germline): Uncertain significance (1 of 4 stars; one submission).

Conditions:
Hereditary cancer-predisposing syndrome. Also called: Neoplastic Syndromes, Hereditary; Tumor predisposition; Hereditary Cancer Syndrome; Hereditary neoplastic syndrome. Identifiers: Orphanet 140162, MedGen C0027672, MeSH D009386, MONDO:0015356.

Submission:

Ambry Genetics
Classification: Uncertain significance for Hereditary cancer-predisposing syndrome. Last evaluated: 2026-06-05. Review status: criteria provided, single submitter. Criteria: Ambry Variant Classification Scheme 2023. Collection method: clinical testing. Allele origin: germline.
Comment: The p.E1396D variant (also known as c.4188G>T), located in coding exon 20 of the MET gene, results from a G to T substitution at nucleotide position 4188. The glutamic acid at codon 1396 is replaced by aspartic acid, an amino acid with highly similar properties. This amino acid position is conserved. In addition, this alteration is predicted to be tolerated by in silico analysis. Based on the available evidence, the clinical significance of this variant remains unclear.

NM_000245.4(MET):c.4134G>T (p.Glu1378Asp)

Gene: MET (MET proto-oncogene, receptor tyrosine kinase; plus strand). Cytogenetic location: 7q31.2.
Variant type: single nucleotide variant.
Coding change: c.4134G>T on transcript NM_000245.4 (MANE Select); coding-DNA position 4134, G replaced by T.
Protein change: p.Glu1378Asp; replaces glutamic acid 1378 with aspartic acid.
Molecular consequence: missense variant.
Genome position (GRCh38, 1-based): chr7:116,796,085, G>T. VCF-style: chr7-116796085-G-T. GRCh37 (hg19) VCF-style: chr7-116436139-G-T.
Other names: c.4188G>T, p.Glu1396Asp (NM_001127500.3); c.2844G>T, p.Glu948Asp (NM_001324402.2); short protein forms E1378D, E1396D, E948D.
Identifiers: ClinVar variation 4860005 (VCV004860005.1).